The following is an entry in ClinVar:

ClinVar aggregate classification (germline): Likely benign. Review status: criteria provided, multiple submitters, no conflicts (2 of 4 stars). 6 submissions from 6 submitters: Likely benign (5). 1 of the submissions does not count toward it. Last evaluated 2026-02-01.

Conditions:
Usher syndrome type 3B. Also called: USHER SYNDROME, TYPE IIIB. Identifiers: MedGen C3281066, MONDO:0013788, OMIM 614504.
HARS1-related disorder. Also called: HARS1-related condition.

Allele frequency attached by ClinVar (database versions not stated): ExAC 0.00019; gnomAD exomes 0.00033 and 0.00062; TOPMed 0.00044; gnomAD 0.00053 and 0.00054; ESP Exome Variant Server 0.00062.

Submissions (6):

Labcorp Genetics (formerly Invitae), Labcorp
Classification: Likely benign for Usher syndrome type 3B. Last evaluated: 2026-02-01. Review status: criteria provided, single submitter. Criteria: Invitae Variant Classification Sherloc (09022015). Collection method: clinical testing. Allele origin: germline.

Blueprint Genetics
Classification: Likely benign. Last evaluated: 2024-11-12. Review status: criteria provided, single submitter. Criteria: ACMG Guidelines, 2015. Collection method: clinical testing. Allele origin: germline.

CeGaT Center for Human Genetics Tuebingen
Classification: Likely benign. Last evaluated: 2024-11-01. Review status: criteria provided, single submitter. Criteria: CeGaT Center For Human Genetics Tuebingen Variant Classification Criteria Version 2. Collection method: clinical testing. Allele origin: germline. Affected: yes. Observed: 2 variant alleles.
Comment: HARS1: BP4

GeneDx
Classification: Likely benign. Last evaluated: 2020-01-17. Review status: criteria provided, single submitter. Criteria: GeneDx Variant Classification Process June 2021. Collection method: clinical testing. Allele origin: germline. Affected: yes.
Comment: Has not been previously published as pathogenic or benign to our knowledge

Ambry Genetics
Classification: Likely benign. Last evaluated: 2019-07-11. Review status: criteria provided, single submitter. Criteria: Ambry Variant Classification Scheme 2023. Collection method: clinical testing. Allele origin: germline.

PreventionGenetics, part of Exact Sciences
Classification: Likely benign for HARS1-related condition. Last evaluated: 2020-02-18. Review status: no assertion criteria provided. Collection method: clinical testing. Allele origin: germline. Not counted in ClinVar's aggregate classification.
Comment: This variant is classified as likely benign based on ACMG/AMP sequence variant interpretation guidelines (Richards et al. 2015 PMID: 25741868, with internal and published modifications).

NM_002109.6(HARS1):c.72G>A (p.Gln24=)

Genes: HARS1 (histidyl-tRNA synthetase 1; minus strand), LOC129994848 (ATAC-STARR-seq lymphoblastoid active region 23285; plus strand). Cytogenetic location: 5q31.3.
Variant type: single nucleotide variant.
Coding change: c.72G>A on transcript NM_002109.6 (MANE Select); coding-DNA position 72, G replaced by A.
Protein change: p.Gln24=; no amino-acid change (glutamine 24 retained).
Molecular consequence: synonymous variant. On other transcripts: intron variant (1).
Genome position (GRCh38, 1-based): chr5:140,691,233, C>T on the plus strand (G>A on the coding strand, the complement: HARS1 is on the minus strand). VCF-style: chr5-140691233-C-T. GRCh37 (hg19) VCF-style: chr5-140070818-C-T.
Other names: c.72G>A, p.Gln24= (NM_001258040.3, NM_001258041.3, NM_001258042.3 and 2 more transcripts); c.3+69G>A (NM_001289094.2).
Identifiers: ClinVar variation 540209 (VCV000540209.42), dbSNP rs148516171, ClinGen allele CA3444227.